The following is an entry in ClinVar:

ClinVar aggregate classification (germline): Uncertain significance (1 of 4 stars; one submission).

Conditions:
Hereditary cancer-predisposing syndrome. Also called: Hereditary neoplastic syndrome; Neoplastic Syndromes, Hereditary; Tumor predisposition; Hereditary Cancer Syndrome. Identifiers: Orphanet 140162, MedGen C0027672, MeSH D009386, MONDO:0015356.

gnomAD v4.1: 1 of 1,610,554 alleles (0.000062%); highest among the groups gnomAD compares: South Asian, 0.0011%; no homozygotes.

Submission:

Ambry Genetics
Classification: Uncertain significance for Hereditary cancer-predisposing syndrome. Last evaluated: 2025-08-14. Review status: criteria provided, single submitter. Criteria: Ambry Variant Classification Scheme 2023. Collection method: clinical testing. Allele origin: germline.
Comment: The p.Y305C variant (also known as c.914A>G), located in coding exon 10 of the POLE gene, results from an A to G substitution at nucleotide position 914. The tyrosine at codon 305 is replaced by cysteine, an amino acid with highly dissimilar properties. This amino acid position is conserved. In addition, the in silico prediction for this alteration is inconclusive. Based on the available evidence, the clinical significance of this variant remains unclear.

NM_006231.4(POLE):c.914A>G (p.Tyr305Cys)

Gene: POLE (DNA polymerase epsilon, catalytic subunit; minus strand). Cytogenetic location: 12q24.33.
Variant type: single nucleotide variant.
Coding change: c.914A>G on transcript NM_006231.4 (MANE Select); coding-DNA position 914, A replaced by G.
Protein change: p.Tyr305Cys; replaces tyrosine 305 with cysteine.
Molecular consequence: missense variant.
Genome position (GRCh38, 1-based): chr12:132,676,200, T>C on the plus strand (A>G on the coding strand, the complement: POLE is on the minus strand). VCF-style: chr12-132676200-T-C. GRCh37 (hg19) VCF-style: chr12-133252786-T-C.
Other names: short protein forms Y305C.
Identifiers: ClinVar variation 4141207 (VCV004141207.1).